The following is an entry in ClinVar:

NM_147686.4(TRAF3IP2):c.1202-2A>G

Genes: TRAF3IP2-AS1 (TRAF3IP2 antisense RNA 1; plus strand), TRAF3IP2 (TRAF3 interacting protein 2; minus strand). Cytogenetic location: 6q21.
Variant type: single nucleotide variant.
Coding change: c.1202-2A>G on transcript NM_147686.4 (MANE Select); the canonical splice acceptor site of the intron before coding-DNA position 1202, A replaced by G.
Molecular consequence: splice acceptor variant.
Genome position (GRCh38, 1-based): chr6:111,572,985, T>C on the plus strand (A>G on the coding strand, the complement: TRAF3IP2 is on the minus strand). VCF-style: chr6-111572985-T-C. GRCh37 (hg19) VCF-style: chr6-111894188-T-C.
Other names: c.1202-2A>G (NM_001164281.3); c.1229-2A>G (NM_147200.3).
Identifiers: ClinVar variation 3700414 (VCV003700414.2).

ClinVar aggregate classification (germline): Likely pathogenic (1 of 4 stars; one submission).

Conditions:
Candidiasis, familial, 8 (CANDF8). Identifiers: Orphanet 1334, MedGen C3714992, MONDO:0014230, OMIM 615527.

gnomAD v4.1: 3 of 1,610,484 alleles (0.00019%); highest among the groups gnomAD compares: Non-Finnish European, 0.00017%; no homozygotes.

Submission:

Labcorp Genetics (formerly Invitae), Labcorp
Classification: Likely pathogenic for Candidiasis, familial, 8. Last evaluated: 2024-02-27. Review status: criteria provided, single submitter. Criteria: Invitae Variant Classification Sherloc (09022015). Collection method: clinical testing. Allele origin: germline.
Comment: This sequence change affects an acceptor splice site in intron 4 of the TRAF3IP2 gene. It is expected to disrupt RNA splicing. Variants that disrupt the donor or acceptor splice site typically lead to a loss of protein function (PMID: 16199547), and loss-of-function variants in TRAF3IP2 are known to be pathogenic (PMID: 24120361). This variant is present in population databases (no rsID available, gnomAD 0.0009%). This variant has not been reported in the literature in individuals affected with TRAF3IP2-related conditions. Algorithms developed to predict the effect of sequence changes on RNA splicing suggest that this variant may disrupt the consensus splice site. In summary, the currently available evidence indicates that the variant is pathogenic, but additional data are needed to prove that conclusively. Therefore, this variant has been classified as Likely Pathogenic.

Literature cited by the submitters: PubMed 16199547; PubMed 24120361.